The following is an entry in ClinVar:

NM_000059.4(BRCA2):c.2957_2958insG (p.Asn986fs)

Gene: BRCA2 (BRCA2 DNA repair associated; plus strand). Cytogenetic location: 13q13.1.
Variant type: Insertion.
Coding change: c.2957_2958insG on transcript NM_000059.4 (MANE Select); coding-DNA positions 2957 to 2958, G inserted.
Protein change: p.Asn986fs; shifts the reading frame from asparagine 986.
Molecular consequence: frameshift variant.
Genome position: GRCh38 VCF-style: chr13-32337312-A-AG. GRCh37 (hg19) VCF-style: chr13-32911449-A-AG.
Other names: 3185insG; short protein forms N986fs.
Identifiers: ClinVar variation 37811 (VCV000037811.36), dbSNP rs1555282969, ClinGen allele CA016887.
Genomic context (GRCh38, chr13:32,337,312, plus strand): 5'-CTCTAGGTCAAGATTTAAAATCGGACATCTCCTTGAATATAGATAAAATACCAGAAAAAA[A>AG]TAATGATTACATGAACAAATGGGCAGGACTCTTAGGTCCAATTTCAAATCACAGTTTTGG-3'

ClinVar aggregate classification (germline): Pathogenic. Review status: reviewed by expert panel (3 of 4 stars). 15 submissions from 15 submitters: Pathogenic (1). 14 of the submissions do not count toward it. Last evaluated 2016-09-08.

Conditions:
Breast and/or ovarian cancer. Identifiers: MedGen CN221562.
Hereditary breast ovarian cancer syndrome. Also called: Hereditary breast and ovarian cancer; Breast and ovarian cancer; BRCA1- and BRCA2-Associated Hereditary Breast and Ovarian Cancer; Hereditary breast and/or ovarian cancer syndrome; Hereditary breast and ovarian cancer syndrome (HBOC); Hereditary breast and ovarian cancer syndrome. Identifiers: Orphanet 145, MedGen C0677776, MeSH D061325, MONDO:0003582. Disease mechanism: loss of function.
Hereditary cancer-predisposing syndrome. Also called: Tumor predisposition; Hereditary Cancer Syndrome; Hereditary neoplastic syndrome; Neoplastic Syndromes, Hereditary. Identifiers: Orphanet 140162, MedGen C0027672, MeSH D009386, MONDO:0015356.
Breast-ovarian cancer, familial, susceptibility to, 2 (BROVCA2). Also called: BRCA2 Hereditary Breast and Ovarian Cancer. Identifiers: Orphanet 145, MedGen C2675520, MONDO:0012933, OMIM 612555. Disease mechanism: loss of function.
Familial cancer of breast. Also called: hereditary breast carcinoma; BREAST CANCER, FAMILIAL; Hereditary breast cancer. Identifiers: Orphanet 227535, MedGen C0346153, MONDO:0016419, OMIM 114480. Disease mechanism: loss of function.
Malignant tumor of breast. Also called: Cancer breast; Malignant breast neoplasm. Identifiers: MedGen C0006142, MONDO:0007254. Disease mechanism: loss of function.

Allele frequency attached by ClinVar (database versions not stated): gnomAD exomes below 0.00001; gnomAD 0.00001.

Submissions 1 to 11 of 15:

Evidence-based Network for the Interpretation of Germline Mutant Alleles (ENIGMA)
Classification: Pathogenic for Breast-ovarian cancer, familial, susceptibility to, 2. Last evaluated: 2016-09-08. Review status: reviewed by expert panel. Criteria: ENIGMA BRCA1/2 Classification Criteria (2015). Collection method: curation. Allele origin: germline.
Comment: Variant allele predicted to encode a truncated non-functional protein.

Ambry Genetics
Classification: Pathogenic for Hereditary cancer-predisposing syndrome. Last evaluated: 2026-08-05. Review status: criteria provided, single submitter. Criteria: Ambry Variant Classification Scheme 2023. Collection method: clinical testing. Allele origin: germline. Not counted in ClinVar's aggregate classification.
Comment: The c.2957_2958insG alteration, located in exon 11 (coding exon 10) of the BRCA2 gene, results from an insertion of one nucleotide at position 2957, causing a translational frameshift with a predicted alternate stop codon (p.N986Kfs*2). This variant is expected to result in loss of function by premature protein truncation or nonsense-mediated mRNA decay. Based on data from gnomAD, this allele has an overall frequency of <0.001% (1/249782) total alleles studied. The highest observed frequency was 0.006% (1/15882) of African alleles. This mutation was previously identified in one individual with pancreatic ductal adenocarcinoma (Golan, 2014; Holter, 2015) and in a large, worldwide study of BRCA1/2 mutation positive families (Rebbeck, 2018). Based on the available evidence, this alteration is classified as pathogenic.

Labcorp Genetics (formerly Invitae), Labcorp
Classification: Pathogenic for Hereditary breast ovarian cancer syndrome. Last evaluated: 2025-12-10. Review status: criteria provided, single submitter. Criteria: Invitae Variant Classification Sherloc (09022015). Collection method: clinical testing. Allele origin: germline. Not counted in ClinVar's aggregate classification.
Comment: This sequence change creates a premature translational stop signal (p.Asn986Lysfs*2) in the BRCA2 gene. It is expected to result in an absent or disrupted protein product. Loss-of-function variants in BRCA2 are known to be pathogenic (PMID: 20104584). This variant is present in population databases (rs80359365, gnomAD 0.007%). This premature translational stop signal has been observed in individual(s) with breast and pancreatic cancer (PMID: 25940717, 26219728). ClinVar contains an entry for this variant (Variation ID: 37811). RNA analysis performed to evaluate the impact of this premature translational stop signal on mRNA splicing indicates it does not significantly alter splicing (internal data). For these reasons, this variant has been classified as Pathogenic.

Color Diagnostics, LLC DBA Color Health
Classification: Pathogenic for Hereditary cancer-predisposing syndrome. Last evaluated: 2025-05-20. Review status: criteria provided, single submitter. Criteria: ACMG Guidelines, 2015. Collection method: clinical testing. Allele origin: germline. Not counted in ClinVar's aggregate classification.
Comment: This variant inserts 1 nucleotide in exon 11 of the BRCA2 gene, creating a frameshift and premature translation stop signal. This variant is expected to result in an absent or non-functional protein product. This variant has been reported in an individual affected with both breast and pancreatic cancer (PMID: 25072261, 25940717). This variant has been identified in 1/249782 chromosomes in the general population by the Genome Aggregation Database (gnomAD). Loss of BRCA2 function is a known mechanism of disease. Based on the available evidence, this variant is classified as Pathogenic.

GeneDx
Classification: Pathogenic. Last evaluated: 2024-12-10. Review status: criteria provided, single submitter. Criteria: GeneDx Variant Classification Process June 2021. Collection method: clinical testing. Allele origin: germline. Affected: yes. Not counted in ClinVar's aggregate classification.
Comment: Frameshift variant predicted to result in protein truncation or nonsense mediated decay in a gene for which loss of function is a known mechanism of disease; Truncating variants in this gene are considered pathogenic by a well-established clinical consortium and/or database; Not observed at significant frequency in large population cohorts (gnomAD); Also known as 3185_3186insG; This variant is associated with the following publications: (PMID: 25940717, 23929434, 30720243, 31892343, 25072261, 16683254, 25583207, 29446198, 32427313, 32885271, 30130155, 29922827)

Baylor Genetics
Classification: Pathogenic for Familial cancer of breast. Last evaluated: 2024-01-23. Review status: criteria provided, single submitter. Criteria: ACMG Guidelines, 2015. Collection method: clinical testing. Allele origin: unknown. Not counted in ClinVar's aggregate classification.

Quest Diagnostics Nichols Institute San Juan Capistrano
Classification: Pathogenic. Last evaluated: 2023-02-06. Review status: criteria provided, single submitter. Criteria: Quest Diagnostics criteria. Collection method: clinical testing. Allele origin: unknown. Not counted in ClinVar's aggregate classification.
Comment: This frameshift variant alters the translational reading frame of the BRCA2 mRNA and causes the premature termination of BRCA2 protein synthesis. The frequency of this variant in the general population, 0.000004 (1/249782 chromosomes), is consistent with pathogenicity. In the published literature, the variant has been reported in individuals with breast cancer (PMID: 32885271 (2021), 32427313 (2020), 30130155 (2018)) or pancreatic cancer (PMID: 25940717 (2015)). Based on the available information, this variant is classified as pathogenic.

Sema4
Classification: Pathogenic for Hereditary cancer-predisposing syndrome. Last evaluated: 2022-02-10. Review status: criteria provided, single submitter. Criteria: Sema4 Curation Guidelines. Collection method: curation. Allele origin: germline. Not counted in ClinVar's aggregate classification.
Comment: The BRCA2 c.2957_2958insG (p.N986KfsX2) variant has been reported in heterozygosity in at least 2 individuals with pancreatic ductal adenocarcinoma and breast cancer (PMID: 25940717, 25072261, 32885271, 32427313) and in a large, worldwide study of BRCA1/2 mutation positive families (PMID: 29446198). This variant causes a frameshift at amino acid 986 that results in premature termination 2 amino acids downstream. At this location, this is predicted to cause nonsense-mediated decay and result in an absent protein (loss of function). Loss of function variants in BRCA2 are known to be pathogenic (PMID: 29446198). This variant was observed in 1/15882 chromosomes in the African/African American population, according to the Genome Aggregation Database (PMID: 32461654). This variant has been reported in ClinVar (Variation ID: 37811). Based on the current evidence available, this variant is interpreted as pathogenic.

Women's Health and Genetics/Laboratory Corporation of America, LabCorp
Classification: Pathogenic for Hereditary breast and ovarian cancer syndrome. Last evaluated: 2020-09-21. Review status: criteria provided, single submitter. Criteria: LabCorp Variant Classification Summary - May 2015. Collection method: clinical testing. Allele origin: germline. Not counted in ClinVar's aggregate classification.
Comment: Variant summary: BRCA2 c.2957_2958insG (p.Asn986LysfsX2) results in a premature termination codon, predicted to cause a truncation of the encoded protein or absence of the protein due to nonsense mediated decay, which are commonly known mechanisms for disease. Truncations downstream of this position have been classified as pathogenic by our laboratory. The variant allele was found at a frequency of 4e-06 in 249782 control chromosomes. c.2957_2958insG has been reported in the literature in individuals affected with Hereditary Breast And Ovarian Cancer Syndrome (Holter_2015, Golan_2014, Rebbeck_2018). To our knowledge, no experimental evidence demonstrating an impact on protein function has been reported. Eight clinical diagnostic laboratories have submitted clinical-significance assessments for this variant to ClinVar after 2014 without evidence for independent evaluation. All laboratories classified the variant as pathogenic. Based on the evidence outlined above, the variant was classified as pathogenic.

CHEO Genetics Diagnostic Laboratory, Children's Hospital of Eastern Ontario
Classification: Pathogenic for Breast and/or ovarian cancer. Last evaluated: 2020-05-28. Review status: criteria provided, single submitter. Criteria: ACMG Guidelines, 2015. Collection method: clinical testing. Allele origin: germline. Not counted in ClinVar's aggregate classification.

Consortium of Investigators of Modifiers of BRCA1/2 (CIMBA), c/o University of Cambridge
Classification: Pathogenic for Breast-ovarian cancer, familial, susceptibility to, 2. Last evaluated: 2015-10-02. Review status: criteria provided, single submitter. Criteria: CIMBA Mutation Classification guidelines May 2016. Collection method: clinical testing. Allele origin: germline. Not counted in ClinVar's aggregate classification.